The following is an entry in ClinVar:

NM_000465.4(BARD1):c.2306C>T (p.Ser769Phe)

Gene: BARD1 (BRCA1 associated RING domain 1; minus strand). Cytogenetic location: 2q35.
Variant type: single nucleotide variant.
Coding change: c.2306C>T on transcript NM_000465.4 (MANE Select); coding-DNA position 2306, C replaced by T.
Protein change: p.Ser769Phe; replaces serine 769 with phenylalanine.
Molecular consequence: missense variant. On other transcripts: non-coding transcript variant (3).
Genome position (GRCh38, 1-based): chr2:214,728,704, G>A on the plus strand (C>T on the coding strand, the complement: BARD1 is on the minus strand). VCF-style: chr2-214728704-G-A. GRCh37 (hg19) VCF-style: chr2-215593428-G-A.
Other names: c.2249C>T, p.Ser750Phe (NM_001282543.2); c.953C>T, p.Ser318Phe (NM_001282545.2); c.896C>T, p.Ser299Phe (NM_001282548.2); c.767C>T, p.Ser256Phe (NM_001282549.2); short protein forms S318F, S769F, S299F, S256F, S750F.
Identifiers: ClinVar variation 1956153 (VCV001956153.5), dbSNP rs730881427, ClinGen allele CA350449762.

ClinVar aggregate classification (germline): Uncertain significance (1 of 4 stars; one submission).

Conditions:
Familial cancer of breast. Also called: BREAST CANCER, FAMILIAL; Hereditary breast cancer; hereditary breast carcinoma. Identifiers: Orphanet 227535, MedGen C0346153, MONDO:0016419, OMIM 114480. Disease mechanism: loss of function.

Submission:

Labcorp Genetics (formerly Invitae), Labcorp
Classification: Uncertain significance for Familial cancer of breast. Last evaluated: 2022-02-21. Review status: criteria provided, single submitter. Criteria: Invitae Variant Classification Sherloc (09022015). Collection method: clinical testing. Allele origin: germline.
Comment: In summary, the available evidence is currently insufficient to determine the role of this variant in disease. Therefore, it has been classified as a Variant of Uncertain Significance. Algorithms developed to predict the effect of missense changes on protein structure and function are either unavailable or do not agree on the potential impact of this missense change (SIFT: "Deleterious"; PolyPhen-2: "Probably Damaging"; Align-GVGD: "Class C15"). This variant has not been reported in the literature in individuals affected with BARD1-related conditions. This variant is not present in population databases (gnomAD no frequency). This sequence change replaces serine, which is neutral and polar, with phenylalanine, which is neutral and non-polar, at codon 769 of the BARD1 protein (p.Ser769Phe).